The following is an entry in ClinVar:

NM_001386795.1(DTNA):c.1215G>T (p.Leu405=)

Gene: DTNA (dystrobrevin alpha; plus strand). Cytogenetic location: 18q12.1.
Variant type: single nucleotide variant.
Coding change: c.1215G>T on transcript NM_001386795.1 (MANE Select); coding-DNA position 1215, G replaced by T.
Protein change: p.Leu405=; no amino-acid change (leucine 405 retained).
Molecular consequence: synonymous variant. On other transcripts: intron variant (32).
Genome position (GRCh38, 1-based): chr18:34,838,133, G>T. VCF-style: chr18-34838133-G-T. GRCh37 (hg19) VCF-style: chr18-32418097-G-T.
Other names: c.1175+8644G>T (NM_001386755.1, NM_001386760.1, NM_001386757.1 and 5 more transcripts); c.1086-10163G>T (NM_001386763.1, NM_001386764.1, NM_001386768.1 and 13 more transcripts); c.1095-10163G>T (NM_032979.5, NM_032975.4, NM_001386761.1 and 1 more transcripts); c.604-13698G>T (NM_001198945.2); c.261G>T, p.Leu87= (NM_001198942.1); c.1215G>T, p.Leu405= (NM_001386788.1); c.1134G>T, p.Leu378= (NM_001390.5, NM_001391.5); c.1125G>T, p.Leu375= (NM_032978.7); and 4 more.
Identifiers: ClinVar variation 3606310 (VCV003606310.3).

ClinVar aggregate classification (germline): Likely benign. Review status: criteria provided, multiple submitters, no conflicts (2 of 4 stars). 2 submissions from 2 submitters: Likely benign (2). Last evaluated 2026-07-01.

Conditions:
Left ventricular noncompaction 1 (LVNC1). Also called: LEFT VENTRICULAR NONCOMPACTION 1 WITH OR WITHOUT CONGENITAL HEART DEFECTS. Identifiers: Orphanet 54260, MedGen C1858725, MONDO:0011403, OMIM 604169.

gnomAD v4.1: 1 of 1,613,858 alleles (0.000062%); highest among the groups gnomAD compares: African/African-American, 0.0013%; no homozygotes.

Submissions (2):

CeGaT Center for Human Genetics Tuebingen
Classification: Likely benign. Last evaluated: 2026-07-01. Review status: criteria provided, single submitter. Criteria: CeGaT Center For Human Genetics Tuebingen Variant Classification Criteria Version 2. Collection method: clinical testing. Allele origin: germline. Affected: yes. Observed: 1 variant allele.
Comment: DTNA: BP4, BP7

Labcorp Genetics (formerly Invitae), Labcorp
Classification: Likely benign for Left ventricular noncompaction 1. Last evaluated: 2024-05-23. Review status: criteria provided, single submitter. Criteria: Invitae Variant Classification Sherloc (09022015). Collection method: clinical testing. Allele origin: germline.